The following is an entry in ClinVar:

NM_031433.4(MFRP):c.200G>C (p.Trp67Ser)

Genes: C1QTNF5 (C1q and TNF related 5; minus strand), MFRP (membrane frizzled-related protein; minus strand). Cytogenetic location: 11q23.3.
Variant type: single nucleotide variant.
Coding change: c.200G>C on transcript NM_031433.4 (MANE Select); coding-DNA position 200, G replaced by C.
Protein change: p.Trp67Ser; replaces tryptophan 67 with serine.
Molecular consequence: missense variant. On other transcripts: 5 prime UTR variant (1).
Genome position (GRCh38, 1-based): chr11:119,346,117, C>G on the plus strand (G>C on the coding strand, the complement: MFRP is on the minus strand). VCF-style: chr11-119346117-C-G. GRCh37 (hg19) VCF-style: chr11-119216827-C-G.
Other names: c.-2437G>C (NM_015645.5); short protein forms W67S.
Identifiers: ClinVar variation 1931501 (VCV001931501.5), dbSNP rs572926083, ClinGen allele CA6320664.

ClinVar aggregate classification (germline): Uncertain significance. Review status: criteria provided, multiple submitters, no conflicts (2 of 4 stars). 2 submissions from 2 submitters: Uncertain significance (2). Last evaluated 2024-10-15.

Conditions:
Inborn genetic diseases. Identifiers: MedGen C0950123, MeSH D030342.
Isolated microphthalmia 5. Also called: Posterior Microphthalmia with Retinitis Pigmentosa, Foveoschisis, and Optic Disc Drusen. Identifiers: Orphanet 251279, MedGen C1970236, MONDO:0012605, OMIM 611040.

Allele frequency attached by ClinVar (database versions not stated): TOPMed below 0.00001; 1000 Genomes Project 30x 0.00016; gnomAD exomes below 0.00001; 1000 Genomes Project 0.00020; gnomAD 0.00001.
gnomAD v4.1: 3 of 1,605,884 alleles (0.00019%); highest among the groups gnomAD compares: East Asian, 0.0067%; no homozygotes.

Submissions (2):

Labcorp Genetics (formerly Invitae), Labcorp
Classification: Uncertain significance for Isolated microphthalmia 5. Last evaluated: 2024-10-15. Review status: criteria provided, single submitter. Criteria: Invitae Variant Classification Sherloc (09022015). Collection method: clinical testing. Allele origin: germline.
Comment: This sequence change replaces tryptophan, which is neutral and slightly polar, with serine, which is neutral and polar, at codon 67 of the MFRP protein (p.Trp67Ser). This variant is present in population databases (rs572926083, gnomAD 0.006%). This variant has not been reported in the literature in individuals affected with MFRP-related conditions. ClinVar contains an entry for this variant (Variation ID: 1931501). Invitae Evidence Modeling of protein sequence and biophysical properties (such as structural, functional, and spatial information, amino acid conservation, physicochemical variation, residue mobility, and thermodynamic stability) indicates that this missense variant is not expected to disrupt MFRP protein function with a negative predictive value of 80%. In summary, the available evidence is currently insufficient to determine the role of this variant in disease. Therefore, it has been classified as a Variant of Uncertain Significance.

Ambry Genetics
Classification: Uncertain significance for Inborn genetic diseases. Last evaluated: 2023-12-11. Review status: criteria provided, single submitter. Criteria: Ambry Variant Classification Scheme 2023. Collection method: clinical testing. Allele origin: germline.